The following is an entry in ClinVar:

NM_005876.5(SPEG):c.9341C>T (p.Ala3114Val)

Genes: ASIC4-AS1 (ASIC4 antisense RNA 1; minus strand), SPEG (striated muscle enriched protein kinase; plus strand). Cytogenetic location: 2q35.
Variant type: single nucleotide variant.
Coding change: c.9341C>T on transcript NM_005876.5 (MANE Select); coding-DNA position 9341, C replaced by T.
Protein change: p.Ala3114Val; replaces alanine 3114 with valine.
Molecular consequence: missense variant.
Genome position (GRCh38, 1-based): chr2:219,490,912, C>T. VCF-style: chr2-219490912-C-T. GRCh37 (hg19) VCF-style: chr2-220355634-C-T.
Other names: short protein forms A3114V.
Identifiers: ClinVar variation 4874162 (VCV004874162.2).

ClinVar aggregate classification (germline): Uncertain significance (1 of 4 stars; one submission).

gnomAD v4.1: 1 of 1,613,672 alleles (0.000062%); highest among the groups gnomAD compares: Non-Finnish European, 0.000085%; no homozygotes.

Submission:

CeGaT Center for Human Genetics Tuebingen
Classification: Uncertain significance. Last evaluated: 2026-06-01. Review status: criteria provided, single submitter. Criteria: CeGaT Center For Human Genetics Tuebingen Variant Classification Criteria Version 2. Collection method: clinical testing. Allele origin: germline. Affected: yes. Observed: 1 variant allele.
Comment: SPEG: PM2, PP3